The following is an entry in ClinVar:

ClinVar aggregate classification (germline): Conflicting classifications of pathogenicity. Review status: criteria provided, conflicting classifications (1 of 4 stars). 2 submissions from 2 submitters: Uncertain significance (1); Likely benign (1). Last evaluated 2025-06-02.

Conditions:
Renal cell carcinoma. Identifiers: Orphanet 217071, MedGen C0007134, MeSH D002292, MONDO:0005086, HP:0005584.
Hereditary cancer-predisposing syndrome. Also called: Tumor predisposition; Hereditary Cancer Syndrome; Hereditary neoplastic syndrome; Neoplastic Syndromes, Hereditary. Identifiers: Orphanet 140162, MedGen C0027672, MeSH D009386, MONDO:0015356.

Allele frequency attached by ClinVar (database versions not stated): gnomAD exomes below 0.00001.

Submissions (2):

Ambry Genetics
Classification: Likely benign for Hereditary cancer-predisposing syndrome. Last evaluated: 2025-06-02. Review status: criteria provided, single submitter. Criteria: Ambry Variant Classification Scheme 2023. Collection method: clinical testing. Allele origin: germline.

Labcorp Genetics (formerly Invitae), Labcorp
Classification: Uncertain significance for Renal cell carcinoma. Last evaluated: 2023-12-31. Review status: criteria provided, single submitter. Criteria: Invitae Variant Classification Sherloc (09022015). Collection method: clinical testing. Allele origin: germline.
Comment: This sequence change replaces methionine, which is neutral and non-polar, with valine, which is neutral and non-polar, at codon 118 of the MET protein (p.Met118Val). This variant is not present in population databases (gnomAD no frequency). This variant has not been reported in the literature in individuals affected with MET-related conditions. ClinVar contains an entry for this variant (Variation ID: 411898). Advanced modeling of protein sequence and biophysical properties (such as structural, functional, and spatial information, amino acid conservation, physicochemical variation, residue mobility, and thermodynamic stability) performed at Invitae indicates that this missense variant is not expected to disrupt MET protein function with a negative predictive value of 80%. In summary, the available evidence is currently insufficient to determine the role of this variant in disease. Therefore, it has been classified as a Variant of Uncertain Significance.

NM_000245.4(MET):c.352A>G (p.Met118Val)

Gene: MET (MET proto-oncogene, receptor tyrosine kinase; plus strand). Cytogenetic location: 7q31.2.
Variant type: single nucleotide variant.
Coding change: c.352A>G on transcript NM_000245.4 (MANE Select); coding-DNA position 352, A replaced by G.
Protein change: p.Met118Val; replaces methionine 118 with valine.
Molecular consequence: missense variant. On other transcripts: intron variant (1).
Genome position (GRCh38, 1-based): chr7:116,699,436, A>G. VCF-style: chr7-116699436-A-G. GRCh37 (hg19) VCF-style: chr7-116339490-A-G.
Other names: c.352A>G, p.Met118Val (NM_001127500.3, NM_001324401.3); c.-91+26859A>G (NM_001324402.2); short protein forms M118V.
Identifiers: ClinVar variation 411898 (VCV000411898.51), dbSNP rs1060503538, ClinGen allele CA16611987.